The following is an entry in ClinVar:

NM_004360.5(CDH1):c.531+9A>C

Gene: CDH1 (cadherin 1; plus strand). Cytogenetic location: 16q22.1.
Variant type: single nucleotide variant.
Coding change: c.531+9A>C on transcript NM_004360.5 (MANE Select); 9 bases into the intron after coding-DNA position 531, A replaced by C.
Molecular consequence: intron variant.
Genome position (GRCh38, 1-based): chr16:68,808,576, A>C. VCF-style: chr16-68808576-A-C. GRCh37 (hg19) VCF-style: chr16-68842479-A-C.
Other names: c.-1085+9A>C (NM_001317185.2); c.-1289+9A>C (NM_001317186.2); c.531+9A>C (NM_001317184.2).
Identifiers: ClinVar variation 3378942 (VCV003378942.1).

ClinVar aggregate classification (germline): Likely benign (1 of 4 stars; one submission).

Conditions:
Hereditary diffuse gastric adenocarcinoma (HDGC). Also called: DIFFUSE GASTRIC AND LOBULAR BREAST CANCER SYNDROME. Identifiers: Orphanet 26106, MedGen C1708349, MONDO:0007648, OMIM 137215.

Submission:

Myriad Genetics, Inc.
Classification: Likely benign for Hereditary diffuse gastric adenocarcinoma. Last evaluated: 2024-09-13. Review status: criteria provided, single submitter. Criteria: Myriad Autosomal Dominant, Autosomal Recessive and X-Linked Classification Criteria (2023). Collection method: clinical testing. Allele origin: unknown.
Comment: This variant is considered likely benign. This variant is intronic and is not expected to impact mRNA splicing.